The following is an entry in ClinVar:

ClinVar aggregate classification (germline): Benign/Likely benign. Review status: criteria provided, multiple submitters, no conflicts (2 of 4 stars). 8 submissions from 8 submitters: Benign (7); Likely benign (1). Last evaluated 2026-02-04.

Conditions:
Autoimmune lymphoproliferative syndrome, type III caused by mutation in PRKCD. Identifiers: Orphanet 3261, Orphanet 664711, MedGen C3809928, MONDO:8000024, OMIM 615559.

Allele frequency attached by ClinVar (database versions not stated): 1000 Genomes Project 0.90196; 1000 Genomes Project 30x 0.90225; ESP Exome Variant Server 0.93349; TOPMed 0.93364; gnomAD 0.93819 and 0.93853; ExAC 0.96547; gnomAD exomes 0.98750.
gnomAD v4.1: 1,586,086 of 1,614,192 alleles (98%); highest among the groups gnomAD compares: Non-Finnish European, 100%; 781,011 homozygotes.

Submissions (8):

Labcorp Genetics (formerly Invitae), Labcorp
Classification: Benign for Autoimmune lymphoproliferative syndrome, type III caused by mutation in PRKCD. Last evaluated: 2026-02-04. Review status: criteria provided, single submitter. Criteria: Invitae Variant Classification Sherloc (09022015). Collection method: clinical testing. Allele origin: germline.

Blueprint Genetics
Classification: Likely benign. Last evaluated: 2024-11-26. Review status: criteria provided, single submitter. Criteria: ACMG Guidelines, 2015. Collection method: clinical testing. Allele origin: germline.

Unidad de Genómica Garrahan, Hospital de Pediatría Garrahan
Classification: Benign. Last evaluated: 2023-11-12. Review status: criteria provided, single submitter. Criteria: ACMG Guidelines, 2015. Collection method: clinical testing. Allele origin: germline. Affected: no. Observed: 96 variant alleles.
Comment: This variant is classified as Benign based on local population frequency. This variant was detected in 100% of patients studied by a panel of primary immunodeficiencies. Number of patients: 96. Only high quality variants are reported.

Genome-Nilou Lab
Classification: Benign for Autoimmune lymphoproliferative syndrome, type III caused by mutation in PRKCD. Last evaluated: 2021-10-25. Review status: criteria provided, single submitter. Criteria: ACMG Guidelines, 2015. Collection method: clinical testing. Allele origin: germline. Affected: no.

GeneDx
Classification: Benign. Last evaluated: 2021-05-04. Review status: criteria provided, single submitter. Criteria: GeneDx Variant Classification Process June 2021. Collection method: clinical testing. Allele origin: germline. Affected: yes.

Mayo Clinic Laboratories, Mayo Clinic
Classification: Benign. Last evaluated: 2016-10-03. Review status: criteria provided, single submitter. Criteria: ACMG Guidelines, 2015. Collection method: clinical testing. Allele origin: germline. Observed: 801 variant alleles.

Laboratory for Molecular Medicine, Mass General Brigham Personalized Medicine
Classification: Benign. Last evaluated: 2016-03-29. Review status: criteria provided, single submitter. Criteria: LMM Criteria. Collection method: clinical testing. Allele origin: germline.
Comment: Variant identified in a genome or exome case(s) and assessed due to predicted null impact of the variant or pathogenic assertions in the literature or databases. Disclaimer: This variant has not undergone full assessment. The following are preliminary notes: Frequency

Breakthrough Genomics
Classification: Benign. Review status: criteria provided, single submitter. Criteria: ACMG Guidelines, 2015. Collection method: not provided. Allele origin: germline. Inheritance: Autosomal recessive inheritance. Affected: yes.

NM_006254.4(PRKCD):c.1782C>G (p.Thr594=)

Gene: PRKCD (protein kinase C delta; plus strand). Cytogenetic location: 3p21.1.
Variant type: single nucleotide variant.
Coding change: c.1782C>G on transcript NM_006254.4 (MANE Select); coding-DNA position 1782, C replaced by G.
Protein change: p.Thr594=; no amino-acid change (threonine 594 retained).
Molecular consequence: synonymous variant.
Genome position (GRCh38, 1-based): chr3:53,189,911, C>G. VCF-style: chr3-53189911-C-G. GRCh37 (hg19) VCF-style: chr3-53223927-C-G.
Other names: p.Thr594=; c.1782C>G, p.Thr594= (NM_001316327.2, NM_001354679.2, NM_001354680.2 and 1 more transcripts); c.1839C>G, p.Thr613= (NM_001354676.2); c.1830C>G, p.Thr610= (NM_001354678.2).
Identifiers: ClinVar variation 403347 (VCV000403347.21), dbSNP rs1075865, ClinGen allele CA2452293.